The following is an entry in ClinVar:

NM_000051.4(ATM):c.1577T>C (p.Leu526Ser)

Gene: ATM (ATM serine/threonine kinase; plus strand). Cytogenetic location: 11q22.3.
Variant type: single nucleotide variant.
Coding change: c.1577T>C on transcript NM_000051.4 (MANE Select); coding-DNA position 1577, T replaced by C.
Protein change: p.Leu526Ser; replaces leucine 526 with serine.
Molecular consequence: missense variant.
Genome position (GRCh38, 1-based): chr11:108,251,042, T>C. VCF-style: chr11-108251042-T-C. GRCh37 (hg19) VCF-style: chr11-108121769-T-C.
Other names: c.1577T>C (NM_000051.3); c.1577T>C, p.Leu526Ser (NM_001351834.2); short protein forms L526S.
Identifiers: ClinVar variation 1039257 (VCV001039257.12), dbSNP rs2080119755, ClinGen allele CA382534395.

ClinVar aggregate classification (germline): Uncertain significance. Review status: criteria provided, multiple submitters, no conflicts (2 of 4 stars). 3 submissions from 3 submitters: Uncertain significance (3). Last evaluated 2026-08-07.

Conditions:
Hereditary cancer-predisposing syndrome. Also called: Tumor predisposition; Hereditary Cancer Syndrome; Hereditary neoplastic syndrome; Neoplastic Syndromes, Hereditary. Identifiers: Orphanet 140162, MedGen C0027672, MeSH D009386, MONDO:0015356.
Ataxia-telangiectasia syndrome (AT). Also called: Ataxia telangiectasia (A-T); Cerebello-oculocutaneous telangiectasia; Immunodeficiency with ataxia telangiectasia; Ataxia-telangiectasia, complementation group E; LOUIS-BAR SYNDROME; Ataxia-telangiectasia. Identifiers: Orphanet 100, MedGen C0004135, MONDO:0008840, OMIM 208900.

Submissions (3):

Ambry Genetics
Classification: Uncertain significance for Hereditary cancer-predisposing syndrome. Last evaluated: 2026-08-07. Review status: criteria provided, single submitter. Criteria: Ambry Variant Classification Scheme 2023. Collection method: clinical testing. Allele origin: germline.
Comment: The p.L526S variant (also known as c.1577T>C), located in coding exon 9 of the ATM gene, results from a T to C substitution at nucleotide position 1577. The leucine at codon 526 is replaced by serine, an amino acid with dissimilar properties. This nucleotide position is highly conserved in available vertebrate species. In addition, the in silico prediction for this alteration is inconclusive. Based on the available evidence, the clinical significance of this variant remains unclear.

Color Diagnostics, LLC DBA Color Health
Classification: Uncertain significance for Hereditary cancer-predisposing syndrome. Last evaluated: 2025-03-17. Review status: criteria provided, single submitter. Criteria: ACMG Guidelines, 2015. Collection method: clinical testing. Allele origin: germline.
Comment: This missense variant replaces leucine with serine at codon 526 of the ATM protein. Computational prediction suggests that this variant may not impact protein structure and function (internally defined REVEL score threshold <= 0.5, PMID: 27666373). To our knowledge, functional studies have not been reported for this variant. This variant has not been reported in individuals affected with ATM-related disorders in the literature. This variant has not been identified in the general population by the Genome Aggregation Database (gnomAD). The available evidence is insufficient to determine the role of this variant in disease conclusively. Therefore, this variant is classified as a Variant of Uncertain Significance.

Labcorp Genetics (formerly Invitae), Labcorp
Classification: Uncertain significance for Ataxia-telangiectasia syndrome. Last evaluated: 2023-07-26. Review status: criteria provided, single submitter. Criteria: Invitae Variant Classification Sherloc (09022015). Collection method: clinical testing. Allele origin: germline.
Comment: This sequence change replaces leucine, which is neutral and non-polar, with serine, which is neutral and polar, at codon 526 of the ATM protein (p.Leu526Ser). This variant is not present in population databases (gnomAD no frequency). An algorithm developed to predict the effect of missense changes on protein structure and function (PolyPhen-2) suggests that this variant is likely to be disruptive. This variant has not been reported in the literature in individuals affected with ATM-related conditions. ClinVar contains an entry for this variant (Variation ID: 1039257). In summary, the available evidence is currently insufficient to determine the role of this variant in disease. Therefore, it has been classified as a Variant of Uncertain Significance.